The following is an entry in ClinVar:

ClinVar aggregate classification (germline): Likely benign. Review status: criteria provided, multiple submitters, no conflicts (2 of 4 stars). 3 submissions from 3 submitters: Likely benign (3). Last evaluated 2026-01-09.

Allele frequency attached by ClinVar (database versions not stated): gnomAD exomes 0.00002 and 0.00003; ExAC 0.00004; gnomAD 0.00013 and 0.00014; 1000 Genomes Project 30x 0.00016; 1000 Genomes Project 0.00020; TOPMed 0.00024; ESP Exome Variant Server 0.00031.
gnomAD v4.1: 45 of 1,613,818 alleles (0.0028%); highest among the groups gnomAD compares: African/African-American, 0.056%; no homozygotes.

Submissions (3):

Labcorp Genetics (formerly Invitae), Labcorp
Classification: Likely benign. Last evaluated: 2026-01-09. Review status: criteria provided, single submitter. Criteria: Invitae Variant Classification Sherloc (09022015). Collection method: clinical testing. Allele origin: germline.

Blueprint Genetics
Classification: Likely benign. Last evaluated: 2022-06-23. Review status: criteria provided, single submitter. Criteria: ACMG Guidelines, 2015. Collection method: clinical testing. Allele origin: germline.

Laboratory for Molecular Medicine, Mass General Brigham Personalized Medicine
Classification: Likely benign. Last evaluated: 2012-04-30. Review status: criteria provided, single submitter. Criteria: LMM Criteria. Collection method: clinical testing. Allele origin: germline. Observed: 1 variant allele.
Comment: Asn529Asn in Exon 14 of MYO7A: This variant is not expected to have clinical sig nificance because it does not alter an amino acid residue, is not located within the splice consensus sequence, and has been identified in 0.1% (3/3632) of Afri can American chromosomes from a broad population by the NHLBI Exome Sequencing P roject.

NM_000260.4(MYO7A):c.1587C>T (p.Asn529=)

Gene: MYO7A (myosin VIIA; plus strand). Cytogenetic location: 11q13.5.
Variant type: single nucleotide variant.
Coding change: c.1587C>T on transcript NM_000260.4 (MANE Select); coding-DNA position 1587, C replaced by T.
Protein change: p.Asn529=; no amino-acid change (asparagine 529 retained).
Molecular consequence: synonymous variant.
Genome position (GRCh38, 1-based): chr11:77,162,885, C>T. VCF-style: chr11-77162885-C-T. GRCh37 (hg19) VCF-style: chr11-76873931-C-T.
Other names: c.1587C>T, p.Asn529= (NM_001127180.2); c.1554C>T, p.Asn518= (NM_001369365.1).
Identifiers: ClinVar variation 178481 (VCV000178481.16), dbSNP rs372325609, ClinGen allele CA182413.